The following is an entry in ClinVar:

ClinVar aggregate classification (germline): Uncertain significance (1 of 4 stars; one submission).

Conditions:
Dilated cardiomyopathy 1DD (CMD1DD). Identifiers: Orphanet 154, MedGen C2750995, MONDO:0013168, OMIM 613172.

Allele frequency attached by ClinVar (database versions not stated): gnomAD exomes 0.00001.
gnomAD v4.1: 2 of 1,551,780 alleles (0.00013%); highest among the groups gnomAD compares: Non-Finnish European, 0.00017%; no homozygotes.

Submission:

Labcorp Genetics (formerly Invitae), Labcorp
Classification: Uncertain significance for Dilated cardiomyopathy 1DD. Last evaluated: 2025-06-29. Review status: criteria provided, single submitter. Criteria: Invitae Variant Classification Sherloc (09022015). Collection method: clinical testing. Allele origin: germline.
Comment: This sequence change replaces arginine, which is basic and polar, with glycine, which is neutral and non-polar, at codon 783 of the RBM20 protein (p.Arg783Gly). This variant is present in population databases (no rsID available, gnomAD 0.002%). This missense change has been observed in individual(s) with clinical features of RBM20-related conditions (PMID: 33450993). ClinVar contains an entry for this variant (Variation ID: 572926). Invitae Evidence Modeling of protein sequence and biophysical properties (such as structural, functional, and spatial information, amino acid conservation, physicochemical variation, residue mobility, and thermodynamic stability) indicates that this missense variant is not expected to disrupt RBM20 protein function with a negative predictive value of 95%. In summary, the available evidence is currently insufficient to determine the role of this variant in disease. Therefore, it has been classified as a Variant of Uncertain Significance.

Literature cited by the submitters: PubMed 33450993.

NM_001134363.3(RBM20):c.2347A>G (p.Arg783Gly)

Gene: RBM20 (RNA binding motif protein 20; plus strand). Cytogenetic location: 10q25.2.
Variant type: single nucleotide variant.
Coding change: c.2347A>G on transcript NM_001134363.3 (MANE Select); coding-DNA position 2347, A replaced by G.
Protein change: p.Arg783Gly; replaces arginine 783 with glycine.
Molecular consequence: missense variant.
Genome position (GRCh38, 1-based): chr10:110,812,744, A>G. VCF-style: chr10-110812744-A-G. GRCh37 (hg19) VCF-style: chr10-112572502-A-G.
Other names: short protein forms R783G.
Identifiers: ClinVar variation 572926 (VCV000572926.8), dbSNP rs1287523613, ClinGen allele CA378373490.